The following is an entry in ClinVar:

NM_004260.4(RECQL4):c.1383G>T (p.Gln461His)

Gene: RECQL4 (RecQ like helicase 4; minus strand). Cytogenetic location: 8q24.3.
Variant type: single nucleotide variant.
Coding change: c.1383G>T on transcript NM_004260.4 (MANE Select); coding-DNA position 1383, G replaced by T.
Protein change: p.Gln461His; replaces glutamine 461 with histidine.
Molecular consequence: missense variant.
Genome position (GRCh38, 1-based): chr8:144,515,333, C>A on the plus strand (G>T on the coding strand, the complement: RECQL4 is on the minus strand). VCF-style: chr8-144515333-C-A. GRCh37 (hg19) VCF-style: chr8-145740717-C-A.
Other names: short protein forms Q461H.
Identifiers: ClinVar variation 459320 (VCV000459320.7), dbSNP rs1395093722, ClinGen allele CA372685291.

ClinVar aggregate classification (germline): Uncertain significance (1 of 4 stars; one submission).

Conditions:
Baller-Gerold syndrome (BGS). Also called: CRANIOSYNOSTOSIS WITH RADIAL DEFECTS. Identifiers: Orphanet 1225, MedGen C0265308, MONDO:0009039, OMIM 218600.

Allele frequency attached by ClinVar (database versions not stated): gnomAD exomes below 0.00001; gnomAD 0.00001; TOPMed 0.00001.

Submission:

Labcorp Genetics (formerly Invitae), Labcorp
Classification: Uncertain significance for Baller-Gerold syndrome. Last evaluated: 2025-08-11. Review status: criteria provided, single submitter. Criteria: Invitae Variant Classification Sherloc (09022015). Collection method: clinical testing. Allele origin: germline.
Comment: This sequence change replaces glutamine, which is neutral and polar, with histidine, which is basic and polar, at codon 461 of the RECQL4 protein (p.Gln461His). This variant is present in population databases (no rsID available, gnomAD 0.003%). This variant has not been reported in the literature in individuals affected with RECQL4-related conditions. ClinVar contains an entry for this variant (Variation ID: 459320). Invitae Evidence Modeling of protein sequence and biophysical properties (such as structural, functional, and spatial information, amino acid conservation, physicochemical variation, residue mobility, and thermodynamic stability) indicates that this missense variant is expected to disrupt RECQL4 protein function with a positive predictive value of 80%. In summary, the available evidence is currently insufficient to determine the role of this variant in disease. Therefore, it has been classified as a Variant of Uncertain Significance.